The following is an entry in ClinVar:

NM_006859.4(LIAS):c.80C>T (p.Pro27Leu)

Gene: LIAS (lipoic acid synthetase; plus strand). Cytogenetic location: 4p14.
Variant type: single nucleotide variant.
Coding change: c.80C>T on transcript NM_006859.4 (MANE Select); coding-DNA position 80, C replaced by T.
Protein change: p.Pro27Leu; replaces proline 27 with leucine.
Molecular consequence: missense variant.
Genome position (GRCh38, 1-based): chr4:39,460,824, C>T. VCF-style: chr4-39460824-C-T. GRCh37 (hg19) VCF-style: chr4-39462444-C-T.
Other names: c.80C>T (NM_006859.2); c.80C>T, p.Pro27Leu (NM_001278590.2, NM_001278591.2, NM_001278592.2 and 2 more transcripts); short protein forms P27L.
Identifiers: ClinVar variation 570168 (VCV000570168.6), dbSNP rs369125654, ClinGen allele CA2894575.

ClinVar aggregate classification (germline): Uncertain significance. Review status: criteria provided, multiple submitters, no conflicts (2 of 4 stars). 3 submissions from 3 submitters: Uncertain significance (3). Last evaluated 2025-02-20.

Conditions:
Inborn genetic diseases. Identifiers: MedGen C0950123, MeSH D030342.
Lipoic acid synthetase deficiency. Also called: HYPERGLYCINEMIA, LACTIC ACIDOSIS, AND SEIZURES. Identifiers: Orphanet 401859, MedGen C3280887, MONDO:0013762, OMIM 614462.

Allele frequency attached by ClinVar (database versions not stated): ESP Exome Variant Server 0.00008; gnomAD exomes 0.00001 and 0.00003; ExAC 0.00002; gnomAD 0.00005 and 0.00006; TOPMed 0.00005.
gnomAD v4.1: 49 of 1,593,974 alleles (0.0031%); highest among the groups gnomAD compares: Non-Finnish European, 0.0038%; no homozygotes.

Submissions (3):

GeneDx
Classification: Uncertain significance. Last evaluated: 2025-02-20. Review status: criteria provided, single submitter. Criteria: GeneDx Variant Classification Process June 2021. Collection method: clinical testing. Allele origin: germline. Affected: yes.
Comment: Not observed at significant frequency in large population cohorts (gnomAD); In silico analysis indicates that this missense variant does not alter protein structure/function; Has not been previously published as pathogenic or benign to our knowledge

Labcorp Genetics (formerly Invitae), Labcorp
Classification: Uncertain significance for Lipoic acid synthetase deficiency. Last evaluated: 2024-02-23. Review status: criteria provided, single submitter. Criteria: Invitae Variant Classification Sherloc (09022015). Collection method: clinical testing. Allele origin: germline.
Comment: This sequence change replaces proline, which is neutral and non-polar, with leucine, which is neutral and non-polar, at codon 27 of the LIAS protein (p.Pro27Leu). This variant is present in population databases (rs369125654, gnomAD 0.006%). This variant has not been reported in the literature in individuals affected with LIAS-related conditions. ClinVar contains an entry for this variant (Variation ID: 570168). Algorithms developed to predict the effect of missense changes on protein structure and function output the following: SIFT: "Not Available"; PolyPhen-2: "Benign"; Align-GVGD: "Not Available". The leucine amino acid residue is found in multiple mammalian species, which suggests that this missense change does not adversely affect protein function. In summary, the available evidence is currently insufficient to determine the role of this variant in disease. Therefore, it has been classified as a Variant of Uncertain Significance.

Ambry Genetics
Classification: Uncertain significance for Inborn genetic diseases. Last evaluated: 2022-06-13. Review status: criteria provided, single submitter. Criteria: Ambry Variant Classification Scheme 2023. Collection method: clinical testing. Allele origin: germline.